The following is an entry in ClinVar:

ClinVar aggregate classification (germline): Uncertain significance. Review status: criteria provided, multiple submitters, no conflicts (2 of 4 stars). 4 submissions from 4 submitters: Uncertain significance (4). Last evaluated 2025-12-08.

Conditions:
Long QT syndrome 11 (LQT11). Identifiers: Orphanet 101016, Orphanet 768, MedGen C2678483, MONDO:0012738, OMIM 611820.
Cardiovascular phenotype. Identifiers: MedGen CN230736.
Long QT syndrome (LQTS). Identifiers: MedGen C0023976, MeSH D008133, MONDO:0002442. Disease mechanism: loss of function. Inheritance: Various modes of inheritance.

Allele frequency attached by ClinVar (database versions not stated): ExAC 0.00001; gnomAD exomes 0.00001 and 0.00007; TOPMed 0.00004; gnomAD 0.00005.
gnomAD v4.1: 101 of 1,612,642 alleles (0.0063%); highest among the groups gnomAD compares: Non-Finnish European, 0.0084%; no homozygotes.

Submissions (6):

Women's Health and Genetics/Laboratory Corporation of America, LabCorp
Classification: Uncertain significance. Last evaluated: 2025-12-08. Review status: criteria provided, single submitter. Criteria: LabCorp Variant Classification Summary - May 2015. Collection method: clinical testing. Allele origin: germline.
Comment: Variant summary: AKAP9 c.6035C>G (p.Ala2012Gly) results in a non-conservative amino acid change in the encoded protein sequence. Algorithms developed to predict the effect of missense changes on protein structure and function are either unavailable or do not agree on the potential impact of this missense change. The variant allele was found at a frequency of 8e-06 in 250634 control chromosomes. The available data on variant occurrences in the general population are insufficient to allow any conclusion about variant significance. To our knowledge, no occurrence of c.6035C>G in individuals affected with AKAP9-related conditions and no experimental evidence demonstrating its impact on protein function have been reported. ClinVar contains an entry for this variant (Variation ID: 663376). Based on the evidence outlined above, the variant was classified as uncertain significance.

Labcorp Genetics (formerly Invitae), Labcorp
Classification: Uncertain significance for Long QT syndrome. Last evaluated: 2025-05-06. Review status: criteria provided, single submitter. Criteria: Invitae Variant Classification Sherloc (09022015). Collection method: clinical testing. Allele origin: germline.
Comment: This sequence change replaces alanine, which is neutral and non-polar, with glycine, which is neutral and non-polar, at codon 2012 of the AKAP9 protein (p.Ala2012Gly). This variant is present in population databases (rs777752444, gnomAD 0.004%). This variant has not been reported in the literature in individuals affected with AKAP9-related conditions. ClinVar contains an entry for this variant (Variation ID: 663376). An algorithm developed to predict the effect of missense changes on protein structure and function (PolyPhen-2) suggests that this variant is likely to be disruptive. In summary, the available evidence is currently insufficient to determine the role of this variant in disease. Therefore, it has been classified as a Variant of Uncertain Significance.

Ambry Genetics
Classification: Uncertain significance for Cardiovascular phenotype. Last evaluated: 2025-04-03. Review status: criteria provided, single submitter. Criteria: Ambry Variant Classification Scheme 2023. Collection method: clinical testing. Allele origin: germline.

Fulgent Genetics
Classification: Uncertain significance for Long QT syndrome 11. Last evaluated: 2022-02-10. Review status: criteria provided, single submitter. Criteria: ACMG Guidelines, 2015. Collection method: clinical testing. Allele origin: unknown.

Dr. Peter K. Rogan Lab, Western University
No classification provided (evidence only). Condition: Ovarian serous cystadenocarcinoma. Review status: no classification provided. Collection method: in vitro. Allele origin: not applicable. Functional consequence: retained intron. Not counted in ClinVar's aggregate classification.

Dr. Peter K. Rogan Lab, Western University
No classification provided (evidence only). Condition: Ovarian serous cystadenocarcinoma. Review status: no classification provided. Collection method: in vitro. Allele origin: not applicable. Functional consequence: retained intron. Not counted in ClinVar's aggregate classification.

NM_005751.5(AKAP9):c.6035C>G (p.Ala2012Gly)

Gene: AKAP9 (A-kinase anchoring protein 9; plus strand). Cytogenetic location: 7q21.2.
Variant type: single nucleotide variant.
Coding change: c.6035C>G on transcript NM_005751.5 (MANE Select); coding-DNA position 6035, C replaced by G.
Protein change: p.Ala2012Gly; replaces alanine 2012 with glycine.
Molecular consequence: missense variant.
Genome position (GRCh38, 1-based): chr7:92,065,288, C>G. VCF-style: chr7-92065288-C-G. GRCh37 (hg19) VCF-style: chr7-91694602-C-G.
Other names: c.680C>G, p.Ala227Gly (NM_001379277.1); c.6035C>G, p.Ala2012Gly (NM_147185.3); short protein forms A2012G, A227G.
Identifiers: ClinVar variation 663376 (VCV000663376.13), dbSNP rs777752444, ClinGen allele CA4336990.